The following is an entry in ClinVar:

NM_000168.6(GLI3):c.2692A>G (p.Ile898Val)

Gene: GLI3 (GLI family zinc finger 3; minus strand). Cytogenetic location: 7p14.1.
Variant type: single nucleotide variant.
Coding change: c.2692A>G on transcript NM_000168.6 (MANE Select); coding-DNA position 2692, A replaced by G.
Protein change: p.Ile898Val; replaces isoleucine 898 with valine.
Molecular consequence: missense variant.
Genome position (GRCh38, 1-based): chr7:41,966,381, T>C on the plus strand (A>G on the coding strand, the complement: GLI3 is on the minus strand). VCF-style: chr7-41966381-T-C. GRCh37 (hg19) VCF-style: chr7-42005979-T-C.
Other names: short protein forms I898V.
Identifiers: ClinVar variation 2637064 (VCV002637064.1), dbSNP rs2484379937, ClinGen allele CA367320547.
Genomic context (GRCh38, chr7:41,966,381, plus strand): 5'-GGCTGGGCAGGCCGTCGCTCTGGCTGGCTTCGCTGGAGCGGCGCGAGGCGTCGGTGGAGA[T>C]GGGGTCGTAGGAGTCGGCCACGCTCACGTTCTGCGGCCGGCCCTCGGCCTGTGACGCCTC-3'
Protein context (NP_000159.3, residues 888-908): NVSVADSYDP[Ile898Val]STDASRRSSE

ClinVar aggregate classification (germline): Uncertain significance (1 of 4 stars; one submission).

Conditions:
GLI3-related disorder. Also called: GLI3-related condition; GLI3-related disorders. Identifiers: MedGen CN239292.

Submission:

PreventionGenetics, part of Exact Sciences
Classification: Uncertain significance for GLI3-related condition. Last evaluated: 2022-09-21. Review status: criteria provided, single submitter. Criteria: ACMG Guidelines, 2015. Collection method: clinical testing. Allele origin: germline.
Comment: The GLI3 c.2692A>G variant is predicted to result in the amino acid substitution p.Ile898Val. To our knowledge, this variant has not been reported in the literature or in a large population database, indicating this variant is rare. At this time, the clinical significance of this variant is uncertain due to the absence of conclusive functional and genetic evidence.